The following is an entry in ClinVar:

NM_012210.4(TRIM32):c.408C>A (p.Leu136=)

Genes: ASTN2 (astrotactin 2; minus strand), TRIM32 (tripartite motif containing 32; plus strand). Cytogenetic location: 9q33.1.
Variant type: single nucleotide variant.
Coding change: c.408C>A on transcript NM_012210.4 (MANE Select); coding-DNA position 408, C replaced by A.
Protein change: p.Leu136=; no amino-acid change (leucine 136 retained).
Molecular consequence: synonymous variant. On other transcripts: intron variant (3).
Genome position (GRCh38, 1-based): chr9:116,698,150, C>A. VCF-style: chr9-116698150-C-A. GRCh37 (hg19) VCF-style: chr9-119460429-C-A.
Other names: c.408C>A, p.Leu136= (NM_001099679.2, NM_001379048.1, NM_001379049.1 and 1 more transcripts); c.2653+27621G>T (NM_014010.5); c.2794+27621G>T (NM_001365069.1); c.2806+27621G>T (NM_001365068.1).
Identifiers: ClinVar variation 1151323 (VCV001151323.10), dbSNP rs2132071452, ClinGen allele CA466915923.
Genomic context (GRCh38, chr9:116,698,150, plus strand): 5'-TTTGGTGTTATGTGAGCCCTGCCGGGAGGCAGACCATCAGCCTCCTGGCCACTGTACACT[C>A]CCTGTCAAAGAAGCAGCTGAGGAGCGGCGTCGGGACTTTGGAGAGAAGTTAACTCGTCTG-3'
Protein context (NP_036342.2, residues 126-146): ADHQPPGHCT[Leu136=]PVKEAAEERR

ClinVar aggregate classification (germline): Likely benign. Review status: criteria provided, multiple submitters, no conflicts (2 of 4 stars). 2 submissions from 2 submitters: Likely benign (2). Last evaluated 2026-08-05.

Conditions:
Bardet-Biedl syndrome (BBS). Identifiers: Orphanet 110, MedGen C0752166, MONDO:0015229.
TRIM32-related disorder. Also called: TRIM32-related condition.

Submissions (2):

PreventionGenetics, part of Exact Sciences
Classification: Likely benign for TRIM32-related condition. Last evaluated: 2026-08-05. Review status: criteria provided, single submitter. Criteria: ACMG Guidelines, 2015. Collection method: clinical testing. Allele origin: germline.
Comment: This variant is classified as likely benign based on ACMG/AMP sequence variant interpretation guidelines (Richards et al. 2015 PMID: 25741868, with internal and published modifications).

Labcorp Genetics (formerly Invitae), Labcorp
Classification: Likely benign for Bardet-Biedl syndrome. Last evaluated: 2023-11-27. Review status: criteria provided, single submitter. Criteria: Invitae Variant Classification Sherloc (09022015). Collection method: clinical testing. Allele origin: germline.